The following is an entry in ClinVar:

NM_032608.7(MYO18B):c.2114C>T (p.Ser705Phe)

Gene: MYO18B (myosin XVIIIB; plus strand). Cytogenetic location: 22q12.1.
Variant type: single nucleotide variant.
Coding change: c.2114C>T on transcript NM_032608.7 (MANE Select); coding-DNA position 2114, C replaced by T.
Protein change: p.Ser705Phe; replaces serine 705 with phenylalanine.
Molecular consequence: missense variant.
Genome position (GRCh38, 1-based): chr22:25,780,101, C>T. VCF-style: chr22-25780101-C-T. GRCh37 (hg19) VCF-style: chr22-26176068-C-T.
Other names: c.2114C>T (NM_032608.6); c.2114C>T, p.Ser705Phe (NM_001318245.2); short protein forms S705F.
Identifiers: ClinVar variation 1561258 (VCV001561258.12), dbSNP rs529599904, ClinGen allele CA10160055.

ClinVar aggregate classification (germline): Likely benign. Review status: criteria provided, multiple submitters, no conflicts (2 of 4 stars). 4 submissions from 4 submitters: Likely benign (3). 1 of the submissions does not count toward it. Last evaluated 2026-01-19.

Conditions:
MYO18B-related disorder. Also called: MYO18B-related condition.

Allele frequency attached by ClinVar (database versions not stated): gnomAD 0.00015 and 0.00037; TOPMed 0.00017; gnomAD exomes 0.00047 and 0.00087; 1000 Genomes Project 30x 0.00094; 1000 Genomes Project 0.00120; ExAC 0.00154.
gnomAD v4.1: 732 of 1,601,462 alleles (0.046%); highest among the groups gnomAD compares: South Asian, 0.57%; 9 homozygotes.

Submissions (4):

Labcorp Genetics (formerly Invitae), Labcorp
Classification: Likely benign. Last evaluated: 2026-01-19. Review status: criteria provided, single submitter. Criteria: Invitae Variant Classification Sherloc (09022015). Collection method: clinical testing. Allele origin: germline.

Blueprint Genetics
Classification: Likely benign. Last evaluated: 2024-11-26. Review status: criteria provided, single submitter. Criteria: ACMG Guidelines, 2015. Collection method: clinical testing. Allele origin: germline.

Breakthrough Genomics
Classification: Likely benign. Review status: criteria provided, single submitter. Criteria: ACMG Guidelines, 2015. Collection method: not provided. Allele origin: germline. Inheritance: Autosomal recessive inheritance. Affected: yes.

PreventionGenetics, part of Exact Sciences
Classification: Likely benign for MYO18B-related condition. Last evaluated: 2022-11-09. Review status: no assertion criteria provided. Collection method: clinical testing. Allele origin: germline. Not counted in ClinVar's aggregate classification.
Comment: This variant is classified as likely benign based on ACMG/AMP sequence variant interpretation guidelines (Richards et al. 2015 PMID: 25741868, with internal and published modifications).